The following is an entry in ClinVar:

NM_015910.7(WDPCP):c.1748+18334G>C

Gene: WDPCP (WD repeat containing planar cell polarity effector; minus strand). Cytogenetic location: 2p15.
Variant type: single nucleotide variant.
Coding change: c.1748+18334G>C on transcript NM_015910.7 (MANE Select); 18334 bases into the intron after coding-DNA position 1748, G replaced by C.
Molecular consequence: intron variant. On other transcripts: missense variant (1).
Genome position (GRCh38, 1-based): chr2:63,360,052, C>G on the plus strand (G>C on the coding strand, the complement: WDPCP is on the minus strand). VCF-style: chr2-63360052-C-G. GRCh37 (hg19) VCF-style: chr2-63587187-C-G.
Other names: c.1773G>C, p.Arg591Ser (NM_001354045.2); c.1676+18334G>C (NM_001354044.2); c.1271+18334G>C (NM_001042692.3); short protein forms R591S.
Identifiers: ClinVar variation 4999980 (VCV004999980.1).

ClinVar aggregate classification (germline): Uncertain significance (1 of 4 stars; one submission).

Conditions:
WDPCP-related disorder. Also called: WDPCP-related condition.

Submission:

PreventionGenetics, part of Exact Sciences
Classification: Uncertain significance for WDPCP-related condition. Last evaluated: 2024-12-31. Review status: criteria provided, single submitter. Criteria: ACMG Guidelines, 2015. Collection method: clinical testing. Allele origin: germline.
Comment: The WDPCP c.1773G>C variant is predicted to result in the amino acid substitution p.Arg591Ser. To our knowledge, this variant has not been reported in the literature or in a large population database (gnomAD), indicating this variant is rare. At this time, the clinical significance of this variant is uncertain due to the absence of conclusive functional and genetic evidence.